The following is an entry in ClinVar:

ClinVar aggregate classification (germline): Likely pathogenic (1 of 4 stars; one submission).

Conditions:
3-methylcrotonyl-CoA carboxylase 2 deficiency. Also called: 3 alpha methylcrotonyl-CoA carboxylase 2 deficiency; 3 alpha methylcrotonylglycinuria 2; MCC 2 deficiency; Methylcrotonylglycinuria type 2; METHYLCROTONYLGLYCINURIA, TYPE II. Identifiers: Orphanet 6, MedGen C1859499, MONDO:0008862, OMIM 210210.

Submission:

Natera, Inc.
Classification: Likely pathogenic for 3-methylcrotonyl-CoA carboxylase 2 deficiency. Last evaluated: 2024-08-02. Review status: criteria provided, single submitter. Criteria: Natera Variant Classification Schema (03/2026). Collection method: clinical testing. Allele origin: germline.
Comment: The c.544del variant in MCCC2 is a frameshift variant predicted to shift the reading frame beginning at codon 182 and leads to a stop codon 91 codons downstream. This variant is expected to result in nonsense mediated decay, truncation, or a dysfunctional protein product. This variant is rare in the general population with a frequency below the threshold expected for the associated phenotype(s). Given the available evidence, this variant is classified as Likely Pathogenic.

NM_022132.5(MCCC2):c.544del (p.Ala182fs)

Gene: MCCC2 (methylcrotonyl-CoA carboxylase subunit 2; plus strand). Cytogenetic location: 5q13.2.
Variant type: Deletion.
Coding change: c.544del on transcript NM_022132.5 (MANE Select); coding-DNA position 544, one base deleted (G; older notation c.544delG).
Protein change: p.Ala182fs; shifts the reading frame from alanine 182.
Molecular consequence: frameshift variant.
Genome position (GRCh38, 1-based): chr5:71,604,388, G deleted. VCF-style (leftmost placement, unchanged base first): chr5-71604387-AG-A. GRCh37 (hg19) VCF-style: chr5-70900214-AG-A.
Other names: c.544del, p.Ala182fs (NM_001363147.1); short protein forms A182fs.
Identifiers: ClinVar variation 4816107 (VCV004816107.1).